The following is an entry in ClinVar:

ClinVar aggregate classification (germline): Uncertain significance (1 of 4 stars; one submission).

Submission:

CeGaT Center for Human Genetics Tuebingen
Classification: Uncertain significance. Last evaluated: 2025-07-01. Review status: criteria provided, single submitter. Criteria: CeGaT Center For Human Genetics Tuebingen Variant Classification Criteria Version 2. Collection method: clinical testing. Allele origin: germline. Affected: yes. Observed: 1 variant allele.
Comment: ZNF462: PM2

NM_021224.6(ZNF462):c.4742T>A (p.Leu1581Gln)

Gene: ZNF462 (zinc finger protein 462; plus strand). Cytogenetic location: 9q31.2.
Variant type: single nucleotide variant.
Coding change: c.4742T>A on transcript NM_021224.6 (MANE Select); coding-DNA position 4742, T replaced by A.
Protein change: p.Leu1581Gln; replaces leucine 1581 with glutamine.
Molecular consequence: missense variant. On other transcripts: intron variant (1).
Genome position (GRCh38, 1-based): chr9:106,928,654, T>A. VCF-style: chr9-106928654-T-A. GRCh37 (hg19) VCF-style: chr9-109690935-T-A.
Other names: c.3252+1490T>A (NM_001347997.2); short protein forms L1581Q.
Identifiers: ClinVar variation 4085441 (VCV004085441.8).